The following is an entry in ClinVar:

ClinVar aggregate classification (germline): Likely benign. Review status: criteria provided, single submitter (1 of 4 stars). 2 submissions from 2 submitters: Likely benign (1). 1 of the submissions does not count toward it. Last evaluated 2026-04-01.

Conditions:
WASHC4-related disorder. Also called: WASHC4-related condition.

Allele frequency attached by ClinVar (database versions not stated): gnomAD 0.00019; 1000 Genomes Project 30x 0.00031.
gnomAD v4.1: 385 of 1,550,280 alleles (0.025%); highest among the groups gnomAD compares: Non-Finnish European, 0.032%; 2 homozygotes.

Submissions (2):

CeGaT Center for Human Genetics Tuebingen
Classification: Likely benign. Last evaluated: 2026-04-01. Review status: criteria provided, single submitter. Criteria: CeGaT Center For Human Genetics Tuebingen Variant Classification Criteria Version 2. Collection method: clinical testing. Allele origin: germline. Affected: yes. Observed: 2 variant alleles.
Comment: WASHC4: BP4

PreventionGenetics, part of Exact Sciences
Classification: Likely benign for WASHC4-related condition. Last evaluated: 2019-09-06. Review status: no assertion criteria provided. Collection method: clinical testing. Allele origin: germline. Not counted in ClinVar's aggregate classification.
Comment: This variant is classified as likely benign based on ACMG/AMP sequence variant interpretation guidelines (Richards et al. 2015 PMID: 25741868, with internal and published modifications).

NM_015275.3(WASHC4):c.-5G>C

Genes: WASHC4 (WASH complex subunit 4; plus strand), LOC130008642 (ATAC-STARR-seq lymphoblastoid silent region 4804; plus strand). Cytogenetic location: 12q23.3.
Variant type: single nucleotide variant.
Coding change: c.-5G>C on transcript NM_015275.3 (MANE Select); 5 bases upstream of the start codon, G replaced by C.
Molecular consequence: 5 prime UTR variant.
Genome position (GRCh38, 1-based): chr12:105,107,796, G>C. VCF-style: chr12-105107796-G-C. GRCh37 (hg19) VCF-style: chr12-105501574-G-C.
Other names: c.-5G>C (NM_001293640.2).
Identifiers: ClinVar variation 3040417 (VCV003040417.9), dbSNP rs745429888, ClinGen allele CA6758180.
Genomic context (GRCh38, chr12:105,107,796, plus strand): 5'-CTGGGGTGAGGCCGTCGTCGCCGCACGGGCTGGTTGGGGCTGTGTCTGTGGGAGGCGCCG[G>C]GGTGATGGCGGTGGAGACTCTGTCCCCGGACTGGGAGTTTGACCGCGTTGACGACGGCTC-3'